The following is an entry in ClinVar:

NM_000489.6(ATRX):c.728G>A (p.Cys243Tyr)

Gene: ATRX (ATRX chromatin remodeler; minus strand). Cytogenetic location: Xq21.1.
Variant type: single nucleotide variant.
Coding change: c.728G>A on transcript NM_000489.6 (MANE Select); coding-DNA position 728, G replaced by A.
Protein change: p.Cys243Tyr; replaces cysteine 243 with tyrosine.
Molecular consequence: missense variant.
Genome position (GRCh38, 1-based): chrX:77,684,528, C>T on the plus strand (G>A on the coding strand, the complement: ATRX is on the minus strand). VCF-style: chrX-77684528-C-T. GRCh37 (hg19) VCF-style: chrX-76940020-C-T.
Other names: c.614G>A, p.Cys205Tyr (NM_138270.5); short protein forms C205Y, C243Y.
Identifiers: ClinVar variation 4063627 (VCV004063627.2).

ClinVar aggregate classification (germline): Likely pathogenic (1 of 4 stars; one submission).

Conditions:
Alpha thalassemia-X-linked intellectual disability syndrome (ATRX). Also called: ALPHA-THALASSEMIA/MENTAL RETARDATION SYNDROME, X-LINKED; ATR, NONDELETION TYPE; ATR-X syndrome; Alpha thalassemia mental retardation syndrome, nondeletion type, X-linked; XLMR hypotonic face syndrome; X-linked alpha-thalassemia-mental retardation syndrome. Identifiers: Orphanet 847, MedGen C1845055, MONDO:0010519, OMIM 301040.

Submission:

Natera, Inc.
Classification: Likely pathogenic for X-linked alpha-thalassemia-mental retardation syndrome. Last evaluated: 2025-02-11. Review status: criteria provided, single submitter. Criteria: Natera Variant Classification Schema (03/2026). Collection method: clinical testing. Allele origin: germline.
Comment: The c.728G>A variant in ATRX is a missense variant predicted to cause substitution of cysteine to tyrosine at amino acid 243. This variant is rare in the general population with a frequency below the threshold expected for the associated phenotype(s). This variant is located in a functionally critical region of the protein. Computational prediction algorithms indicate this variant is likely to affect gene or protein function. Given the available evidence, this variant is classified as Likely Pathogenic.